The following is an entry in ClinVar:

NM_000352.6(ABCC8):c.346G>T (p.Ala116Ser)

Gene: ABCC8 (ATP binding cassette subfamily C member 8; minus strand). Cytogenetic location: 11p15.1.
Variant type: single nucleotide variant.
Coding change: c.346G>T on transcript NM_000352.6 (MANE Select); coding-DNA position 346, G replaced by T.
Protein change: p.Ala116Ser; replaces alanine 116 with serine.
Molecular consequence: missense variant. On other transcripts: non-coding transcript variant (1).
Genome position (GRCh38, 1-based): chr11:17,470,167, C>A on the plus strand (G>T on the coding strand, the complement: ABCC8 is on the minus strand). VCF-style: chr11-17470167-C-A. GRCh37 (hg19) VCF-style: chr11-17491714-C-A.
Other names: c.346G>T, p.Ala116Ser (NM_001287174.3, NM_001351295.2, NM_001351296.2 and 1 more transcripts); short protein forms A116S.
Identifiers: ClinVar variation 5020659 (VCV005020659.1).

ClinVar aggregate classification (germline): Uncertain significance (1 of 4 stars; one submission).

Submission:

Dasa
Classification: Uncertain significance. Last evaluated: 2026-04-29. Review status: criteria provided, single submitter. Criteria: DASA Assertion Criteria. Collection method: clinical testing. Allele origin: germline.
Comment: NM_000352.6(ABCC8):c.346G>T (p.Ala116Ser) is a missense variant that results in the substitution of alanine with serine. The affected residue or protein region has prior evidence supporting clinical relevance. This variant is rare in population databases. Computational prediction algorithms are consistent with a deleterious effect. The currently available literature and clinical evidence are not sufficient to establish a definitive association between this variant and the reported condition. Therefore, this variant is classified as a variant of uncertain significance.